The following is an entry in ClinVar:

NM_001375567.1(FOCAD):c.3070T>C (p.Phe1024Leu)

Gene: FOCAD (focadhesin; plus strand). Cytogenetic location: 9p21.3.
Variant type: single nucleotide variant.
Coding change: c.3070T>C on transcript NM_001375567.1 (MANE Select); coding-DNA position 3070, T replaced by C.
Protein change: p.Phe1024Leu; replaces phenylalanine 1024 with leucine.
Molecular consequence: missense variant.
Genome position (GRCh38, 1-based): chr9:20,926,409, T>C. VCF-style: chr9-20926409-T-C. GRCh37 (hg19) VCF-style: chr9-20926408-T-C.
Other names: c.2965T>C, p.Phe989Leu (NM_001375568.1, NM_001375570.1); c.3070T>C, p.Phe1024Leu (NM_017794.5); short protein forms F1024L, F989L.
Identifiers: ClinVar variation 4981240 (VCV004981240.1).

ClinVar aggregate classification (germline): Uncertain significance (1 of 4 stars; one submission).

Conditions:
FOCAD-related disorder. Also called: FOCAD-related condition.

Submission:

PreventionGenetics, part of Exact Sciences
Classification: Uncertain significance for FOCAD-related condition. Last evaluated: 2026-06-15. Review status: criteria provided, single submitter. Criteria: ACMG Guidelines, 2015. Collection method: clinical testing. Allele origin: germline.
Comment: The FOCAD c.3070T>C variant is predicted to result in the amino acid substitution p.Phe1024Leu. To our knowledge, this variant has not been reported in the literature or in a large population database (gnomAD), indicating this variant is rare. At this time, the clinical significance of this variant is uncertain due to the absence of conclusive functional and genetic evidence.